The following is an entry in ClinVar:

ClinVar aggregate classification (germline): Pathogenic. Review status: criteria provided, multiple submitters, no conflicts (2 of 4 stars). 2 submissions from 2 submitters: Pathogenic (2). Last evaluated 2019-12-13.

Submissions (2):

GeneDx
Classification: Pathogenic. Last evaluated: 2019-12-13. Review status: criteria provided, single submitter. Criteria: GeneDx Variant Classification Process June 2021. Collection method: clinical testing. Allele origin: germline. Affected: yes.
Comment: Located in the triple-helical region; replaces the Gly in the canonical Gly-X-Y repeat; Not observed in large population cohorts (Lek et al., 2016); In silico analysis, which includes protein predictors and evolutionary conservation, supports a deleterious effect; This variant is associated with the following publications: (PMID: 25525159, 17078022)

ARUP Laboratories, Molecular Genetics and Genomics, ARUP Laboratories
Classification: Pathogenic. Last evaluated: 2018-03-01. Review status: criteria provided, single submitter. Criteria: ARUP Molecular Germline Variant Investigation Process. Collection method: clinical testing. Allele origin: germline.
Comment: The p.Gly553Asp variant (rs72658137) has been reported in one patient with osteogenesis imperfecta type II (Marini 2007). This variant is absent from general population databases such as 1000 Genomes, NHLBI GO Exome Sequencing Project (ESP), and the Genome Aggregation Database (gnomAD). The p.Gly553Asp variant affects a highly conserved glycine located in the triple helical domain composed of uninterrupted repeats of the Gly-X-Y tripeptide, and all computation prediction algorithms indicate a deleterious effect on protein structure and function (SIFT: damaging, PolyPhen-2:probably damaging). Variants that disrupt this tripeptide sequence are reported to result in impaired collagen function (Ben Amor 2011). Based on the above information, this variant is considered pathogenic.

NM_000089.4(COL1A2):c.1658G>A (p.Gly553Asp)

Gene: COL1A2 (collagen type I alpha 2 chain; plus strand). Cytogenetic location: 7q21.3.
Variant type: single nucleotide variant.
Coding change: c.1658G>A on transcript NM_000089.4 (MANE Select); coding-DNA position 1658, G replaced by A.
Protein change: p.Gly553Asp; replaces glycine 553 with aspartic acid.
Molecular consequence: missense variant.
Genome position (GRCh38, 1-based): chr7:94,413,940, G>A. VCF-style: chr7-94413940-G-A. GRCh37 (hg19) VCF-style: chr7-94043252-G-A.
Other names: short protein forms G553D.
Identifiers: ClinVar variation 265389 (VCV000265389.11), dbSNP rs72658137, ClinGen allele CA10588443.
Genomic context (GRCh38, chr7:94,413,940, plus strand): 5'-CCTGTCACTTTCAGGGTGTTCAAGGTGGAAAAGGTGAACAGGGTCCCCCTGGTCCTCCAG[G>A]CTTCCAGGTAAGTCAACTCAAACATATACAATACTGCCTTTGGTCAGCCTATTGAGCTGT-3'
Protein context (NP_000080.2, residues 543-563): KGEQGPPGPP[Gly553Asp]FQGLPGPSGP